The following is an entry in ClinVar:

ClinVar aggregate classification (germline): Uncertain significance (1 of 4 stars; one submission).

Conditions:
Hereditary cancer-predisposing syndrome. Also called: Neoplastic Syndromes, Hereditary; Tumor predisposition; Hereditary Cancer Syndrome; Hereditary neoplastic syndrome. Identifiers: Orphanet 140162, MedGen C0027672, MeSH D009386, MONDO:0015356.

Submission:

Ambry Genetics
Classification: Uncertain significance for Hereditary cancer-predisposing syndrome. Last evaluated: 2020-10-26. Review status: criteria provided, single submitter. Criteria: Ambry Variant Classification Scheme 2023. Collection method: clinical testing. Allele origin: germline.
Comment: The p.Q626K variant (also known as c.1876C>A), located in coding exon 4 of the MSH6 gene, results from a C to A substitution at nucleotide position 1876. The glutamine at codon 626 is replaced by lysine, an amino acid with similar properties. This amino acid position is highly conserved in available vertebrate species. In addition, this alteration is predicted to be deleterious by in silico analysis. Since supporting evidence is limited at this time, the clinical significance of this alteration remains unclear.

NM_000179.3(MSH6):c.1876C>A (p.Gln626Lys)

Gene: MSH6 (mutS homolog 6; plus strand). Cytogenetic location: 2p16.3.
Variant type: single nucleotide variant.
Coding change: c.1876C>A on transcript NM_000179.3 (MANE Select); coding-DNA position 1876, C replaced by A.
Protein change: p.Gln626Lys; replaces glutamine 626 with lysine.
Molecular consequence: missense variant.
Genome position (GRCh38, 1-based): chr2:47,799,859, C>A. VCF-style: chr2-47799859-C-A. GRCh37 (hg19) VCF-style: chr2-48026998-C-A.
Other names: c.1486C>A, p.Gln496Lys (NM_001281492.2); c.970C>A, p.Gln324Lys (NM_001281493.2, NM_001281494.2, NM_001406811.1 and 6 more transcripts); c.1972C>A, p.Gln658Lys (NM_001406795.1, NM_001406802.1); c.1876C>A, p.Gln626Lys (NM_001406796.1, NM_001406798.1, NM_001406800.1 and 3 more transcripts); c.1579C>A, p.Gln527Lys (NM_001406797.1, NM_001406801.1, NM_001406805.1 and 10 more transcripts); c.1351C>A, p.Gln451Lys (NM_001406799.1, NM_001406806.1, NM_001406807.1); c.1798C>A, p.Gln600Lys (NM_001406804.1); c.1882C>A, p.Gln628Lys (NM_001406813.1); and 1 more; short protein forms Q324K, Q496K, Q527K, Q600K, Q628K, Q570K, Q451K, Q626K.
Identifiers: ClinVar variation 1781783 (VCV001781783.2), dbSNP rs1553413253, ClinGen allele CA346749934.